The following is an entry in ClinVar:

ClinVar aggregate classification (germline): Uncertain significance (1 of 4 stars; one submission).

Conditions:
Emery-Dreifuss muscular dystrophy 5, autosomal dominant (EDMD5). Also called: EMERY-DREIFUSS MUSCULAR DYSTROPHY 5. Identifiers: Orphanet 261, MedGen C2751805, MONDO:0013072, OMIM 612999.

Allele frequency attached by ClinVar (database versions not stated): gnomAD exomes below 0.00001.
gnomAD v4.1: 1 of 1,613,894 alleles (0.000062%); highest among the groups gnomAD compares: Non-Finnish European, 0.000085%; no homozygotes.

Submission:

Labcorp Genetics (formerly Invitae), Labcorp
Classification: Uncertain significance for Emery-Dreifuss muscular dystrophy 5, autosomal dominant. Last evaluated: 2022-03-08. Review status: criteria provided, single submitter. Criteria: Invitae Variant Classification Sherloc (09022015). Collection method: clinical testing. Allele origin: germline.
Comment: Algorithms developed to predict the effect of missense changes on protein structure and function are either unavailable or do not agree on the potential impact of this missense change (SIFT: "Deleterious"; PolyPhen-2: "Possibly Damaging"; Align-GVGD: "Class C0"). In summary, the available evidence is currently insufficient to determine the role of this variant in disease. Therefore, it has been classified as a Variant of Uncertain Significance. This variant has not been reported in the literature in individuals affected with SYNE2-related conditions. ClinVar contains an entry for this variant (Variation ID: 470972). This variant is not present in population databases (gnomAD no frequency). This sequence change replaces cysteine, which is neutral and slightly polar, with tyrosine, which is neutral and polar, at codon 1151 of the SYNE2 protein (p.Cys1151Tyr).

NM_182914.3(SYNE2):c.3452G>A (p.Cys1151Tyr)

Gene: SYNE2 (spectrin repeat containing nuclear envelope protein 2; plus strand). Cytogenetic location: 14q23.2.
Variant type: single nucleotide variant.
Coding change: c.3452G>A on transcript NM_182914.3 (MANE Select); coding-DNA position 3452, G replaced by A.
Protein change: p.Cys1151Tyr; replaces cysteine 1151 with tyrosine.
Molecular consequence: missense variant.
Genome position (GRCh38, 1-based): chr14:63,999,012, G>A. VCF-style: chr14-63999012-G-A. GRCh37 (hg19) VCF-style: chr14-64465730-G-A.
Other names: c.3452G>A, p.Cys1151Tyr (NM_015180.6); short protein forms C1151Y.
Identifiers: ClinVar variation 470972 (VCV000470972.9), dbSNP rs1555421819, ClinGen allele CA389991742.